The following is an entry in ClinVar:

ClinVar aggregate classification (germline): Benign/Likely benign. Review status: criteria provided, multiple submitters, no conflicts (2 of 4 stars). 5 submissions from 5 submitters: Benign (1); Likely benign (4). Last evaluated 2026-04-25.

Conditions:
Hereditary cancer-predisposing syndrome. Also called: Tumor predisposition; Hereditary Cancer Syndrome; Hereditary neoplastic syndrome; Neoplastic Syndromes, Hereditary. Identifiers: Orphanet 140162, MedGen C0027672, MeSH D009386, MONDO:0015356.
Familial cancer of breast. Also called: hereditary breast carcinoma; BREAST CANCER, FAMILIAL; Hereditary breast cancer. Identifiers: Orphanet 227535, MedGen C0346153, MONDO:0016419, OMIM 114480. Disease mechanism: loss of function.

Submissions (5):

Women's Health and Genetics/Laboratory Corporation of America, LabCorp
Classification: Likely benign. Last evaluated: 2026-04-25. Review status: criteria provided, single submitter. Criteria: LabCorp Variant Classification Summary - May 2015. Collection method: clinical testing. Allele origin: germline.

Quest Diagnostics Nichols Institute San Juan Capistrano
Classification: Likely benign. Last evaluated: 2025-05-14. Review status: criteria provided, single submitter. Criteria: Quest Diagnostics criteria. Collection method: clinical testing. Allele origin: unknown.

Labcorp Genetics (formerly Invitae), Labcorp
Classification: Likely benign for Familial cancer of breast. Last evaluated: 2025-04-28. Review status: criteria provided, single submitter. Criteria: Invitae Variant Classification Sherloc (09022015). Collection method: clinical testing. Allele origin: germline.

Myriad Genetics, Inc.
Classification: Benign for Familial cancer of breast. Last evaluated: 2025-01-15. Review status: criteria provided, single submitter. Criteria: Myriad Autosomal Dominant, Autosomal Recessive and X-Linked Classification Criteria (2023). Collection method: clinical testing. Allele origin: unknown.
Comment: This variant is considered benign. This variant is a silent/synonymous amino acid change and it is not expected to impact splicing.

Ambry Genetics
Classification: Likely benign for Hereditary cancer-predisposing syndrome. Last evaluated: 2016-08-26. Review status: criteria provided, single submitter. Criteria: Ambry Variant Classification Scheme 2023. Collection method: clinical testing. Allele origin: germline.

NM_024675.4(PALB2):c.1962T>C (p.Ile654=)

Gene: PALB2 (partner and localizer of BRCA2; minus strand). Cytogenetic location: 16p12.2.
Variant type: single nucleotide variant.
Coding change: c.1962T>C on transcript NM_024675.4 (MANE Select); coding-DNA position 1962, T replaced by C.
Protein change: p.Ile654=; no amino-acid change (isoleucine 654 retained).
Molecular consequence: synonymous variant.
Genome position (GRCh38, 1-based): chr16:23,630,192, A>G on the plus strand (T>C on the coding strand, the complement: PALB2 is on the minus strand). VCF-style: chr16-23630192-A-G. GRCh37 (hg19) VCF-style: chr16-23641513-A-G.
Identifiers: ClinVar variation 481080 (VCV000481080.20), dbSNP rs1555460568, ClinGen allele CA494461099.
Genomic context (GRCh38, chr16:23,630,192, plus strand): 5'-GTCCTCTTCTAAGTCCTCCATTTCTGTATCCATGCGTTTAGGACTCAGTTCCTCTGGAAA[A>G]ATACAGCTTCCCTCTTTAAGATGTCTCTCTCCAAACATTTTTGACTCAAAGGGCTCCACT-3'
Protein context (NP_078951.2, residues 644-664): GERHLKEGSC[Ile654=]FPEELSPKRM